The following is an entry in ClinVar:

ClinVar aggregate classification (germline): Conflicting classifications of pathogenicity. Review status: criteria provided, conflicting classifications (1 of 4 stars). 3 submissions from 3 submitters: Uncertain significance (2); Likely benign (1). Last evaluated 2025-12-01.

Conditions:
Inborn genetic diseases. Identifiers: MedGen C0950123, MeSH D030342.

gnomAD v4.1: 18 of 1,613,566 alleles (0.0011%); highest among the groups gnomAD compares: Admixed American, 0.0033%; no homozygotes.

Submissions (3):

CeGaT Center for Human Genetics Tuebingen
Classification: Uncertain significance. Last evaluated: 2025-12-01. Review status: criteria provided, single submitter. Criteria: CeGaT Center For Human Genetics Tuebingen Variant Classification Criteria Version 2. Collection method: clinical testing. Allele origin: germline. Affected: yes. Observed: 1 variant allele.
Comment: AHDC1: PM2, BP4

Ambry Genetics
Classification: Uncertain significance for Inborn genetic diseases. Last evaluated: 2024-08-01. Review status: criteria provided, single submitter. Criteria: Ambry Variant Classification Scheme 2023. Collection method: clinical testing. Allele origin: germline.

Labcorp Genetics (formerly Invitae), Labcorp
Classification: Likely benign. Last evaluated: 2024-05-31. Review status: criteria provided, single submitter. Criteria: Invitae Variant Classification Sherloc (09022015). Collection method: clinical testing. Allele origin: germline.

NM_001371928.1(AHDC1):c.3542G>T (p.Gly1181Val)

Gene: AHDC1 (AT-hook DNA binding motif containing 1; minus strand). Cytogenetic location: 1p36.11.
Variant type: single nucleotide variant.
Coding change: c.3542G>T on transcript NM_001371928.1 (MANE Select); coding-DNA position 3542, G replaced by T.
Protein change: p.Gly1181Val; replaces glycine 1181 with valine.
Molecular consequence: missense variant.
Genome position (GRCh38, 1-based): chr1:27,548,574, C>A on the plus strand (G>T on the coding strand, the complement: AHDC1 is on the minus strand). VCF-style: chr1-27548574-C-A. GRCh37 (hg19) VCF-style: chr1-27875085-C-A.
Other names: c.3542G>T, p.Gly1181Val (NM_001029882.3); c.-502G>T (NM_015699.1); c.3542G>T (NM_001029882.2); short protein forms G1181V.
Identifiers: ClinVar variation 2955943 (VCV002955943.9), dbSNP rs761051371, ClinGen allele CA715545.